The following is an entry in ClinVar:

ClinVar aggregate classification (germline): Uncertain significance. Review status: criteria provided, multiple submitters, no conflicts (2 of 4 stars). 5 submissions from 5 submitters: Uncertain significance (5). Last evaluated 2026-01-26.

Conditions:
Dyskeratosis congenita, autosomal recessive 2 (DKCB2). Identifiers: Orphanet 1775, MedGen C3151441, MONDO:0013519, OMIM 613987.
Dyskeratosis congenita. Identifiers: Orphanet 1775, MedGen C0265965, MONDO:0015780.

Allele frequency attached by ClinVar (database versions not stated): ExAC 0.00008; gnomAD 0.00009; TOPMed 0.00009; ESP Exome Variant Server 0.00015; gnomAD exomes 0.00009.
gnomAD v4.1: 142 of 1,613,950 alleles (0.0088%); highest among the groups gnomAD compares: Non-Finnish European, 0.011%; no homozygotes.

Submissions (5):

Labcorp Genetics (formerly Invitae), Labcorp
Classification: Uncertain significance for Dyskeratosis congenita. Last evaluated: 2026-01-26. Review status: criteria provided, single submitter. Criteria: Invitae Variant Classification Sherloc (09022015). Collection method: clinical testing. Allele origin: germline.
Comment: This sequence change replaces histidine, which is basic and polar, with tyrosine, which is neutral and polar, at codon 132 of the NHP2 protein (p.His132Tyr). This variant is present in population databases (rs146766601, gnomAD 0.02%). This variant has not been reported in the literature in individuals affected with NHP2-related conditions. ClinVar contains an entry for this variant (Variation ID: 934247). An algorithm developed to predict the effect of missense changes on protein structure and function (PolyPhen-2) suggests that this variant is likely to be disruptive. In summary, the available evidence is currently insufficient to determine the role of this variant in disease. Therefore, it has been classified as a Variant of Uncertain Significance.

Dasa
Classification: Uncertain significance. Last evaluated: 2025-05-26. Review status: criteria provided, single submitter. Criteria: DASA Assertion Criteria. Collection method: clinical testing. Allele origin: germline.
Comment: NM_017838.4(NHP2):c.394C>T (p.His132Tyr) is a missense variant that results in the substitution of histidine with tyrosine. This variant is rare in population databases. Computational prediction algorithms are consistent with a benign effect. The currently available literature and clinical evidence are not sufficient to establish a definitive association between this variant and the reported condition. Therefore, this variant is classified as a variant of uncertain significance.

GeneDx
Classification: Uncertain significance. Last evaluated: 2024-08-04. Review status: criteria provided, single submitter. Criteria: GeneDx Variant Classification Process June 2021. Collection method: clinical testing. Allele origin: germline. Affected: yes.
Comment: In silico analysis supports that this missense variant has a deleterious effect on protein structure/function; Has not been previously published as pathogenic or benign to our knowledge

Sema4
Classification: Uncertain significance for Dyskeratosis congenita. Last evaluated: 2021-12-13. Review status: criteria provided, single submitter. Criteria: Sema4 Curation Guidelines. Collection method: curation. Allele origin: germline.
Comment: The NHP2 c.394C>T (p.H132Y) variant has not been reported in the literature to our knowledge. It was observed in 21/129022 chromosomes in the Non-Finnish European subpopulation in the large and broad cohorts of the Genome Aggregation Database (PMID: 32461654). The variant has been reported in ClinVar (Variation ID: 934247). Functional studies have not been performed, and in silico predictions of the variant's effect on protein function are inconclusive. The evidence is insufficient to meet ACMG/AMP criteria for classifying the variant as benign or pathogenic. Thus, the clinical significance of this variant is currently uncertain.

Baylor Genetics
Classification: Uncertain significance for Dyskeratosis congenita, autosomal recessive 2. Last evaluated: 2018-11-18. Review status: criteria provided, single submitter. Criteria: ACMG Guidelines, 2015. Collection method: clinical testing. Allele origin: unknown. Affected: yes. Study: CSER-TexasKidsCanSeq.
Comment: This variant was determined to be of uncertain significance according to ACMG Guidelines, 2015 [PMID:25741868].

NM_017838.4(NHP2):c.394C>T (p.His132Tyr)

Genes: NHP2 (NHP2 ribonucleoprotein; minus strand), RMND5B (required for meiotic nuclear division 5 homolog B; plus strand). Cytogenetic location: 5q35.3.
Variant type: single nucleotide variant.
Coding change: c.394C>T on transcript NM_017838.4 (MANE Select); coding-DNA position 394, C replaced by T.
Protein change: p.His132Tyr; replaces histidine 132 with tyrosine.
Molecular consequence: missense variant. On other transcripts: 3 prime UTR variant (5).
Genome position (GRCh38, 1-based): chr5:178,149,781, G>A on the plus strand (C>T on the coding strand, the complement: NHP2 is on the minus strand). VCF-style: chr5-178149781-G-A. GRCh37 (hg19) VCF-style: chr5-177576782-G-A.
Other names: c.*15C>T (NM_001034833.2, NM_001396110.1); c.*1749G>A (NM_001288794.2, NM_001288795.2, NM_022762.5); short protein forms H132Y.
Identifiers: ClinVar variation 934247 (VCV000934247.14), dbSNP rs146766601, ClinGen allele CA3589111.